The following is an entry in ClinVar:

ClinVar aggregate classification (germline): Likely benign (0 of 4 stars; one submission).

Conditions:
ZMYND15-related disorder. Also called: ZMYND15-related condition.

Submission:

PreventionGenetics, part of Exact Sciences
Classification: Likely benign for ZMYND15-related condition. Last evaluated: 2019-09-12. Review status: no assertion criteria provided. Collection method: clinical testing. Allele origin: germline.
Comment: This variant is classified as likely benign based on ACMG/AMP sequence variant interpretation guidelines (Richards et al. 2015 PMID: 25741868, with internal and published modifications).

NM_001136046.3(ZMYND15):c.1684-5del

Gene: ZMYND15 (zinc finger MYND-type containing 15; plus strand). Cytogenetic location: 17p13.2.
Variant type: Deletion.
Coding change: c.1684-5del on transcript NM_001136046.3 (MANE Select); 5 bases into the intron before coding-DNA position 1684, one base deleted (C; older notation c.1684-5delC).
Molecular consequence: intron variant.
Genome position (GRCh38, 1-based): chr17:4,744,620, C deleted; the last of 4 consecutive C bases (chr17:4,744,617-4,744,620); deleting any one gives the same sequence. VCF-style (leftmost placement, unchanged base first): chr17-4744616-GC-G. GRCh37 (hg19) VCF-style: chr17-4647911-GC-G.
Other names: c.1684-5del (NM_001267822.1); c.1567-5del (NM_032265.2).
Identifiers: ClinVar variation 3040885 (VCV003040885.2), dbSNP rs373195825, ClinGen allele CA8309915.